The following is an entry in ClinVar:

Conditions:
Long QT syndrome 5 (LQT5). Identifiers: Orphanet 101016, Orphanet 768, MedGen C1867904, MONDO:0013372, OMIM 613695.

Submission:

Roden Lab, Vanderbilt University Medical Center
No classification provided (evidence only). Condition: Long QT syndrome 5. Review status: no classification provided. Collection method: in vitro. Allele origin: not applicable. Functional consequence: Effect on ion channel function.
ClinVar note: "not provided" was previously submitted as the classification for the variant. However, the classification appeared to be based only on an observation of functional data so it was converted to no classification on 2025-07-30.

NM_000219.6(KCNE1):c.30G>C (p.Thr10=)

Gene: KCNE1 (potassium voltage-gated channel subfamily E regulatory subunit 1; minus strand). Cytogenetic location: 21q22.12.
Variant type: single nucleotide variant.
Coding change: c.30G>C on transcript NM_000219.6 (MANE Select); coding-DNA position 30, G replaced by C.
Protein change: p.Thr10=; no amino-acid change (threonine 10 retained).
Molecular consequence: synonymous variant.
Genome position (GRCh38, 1-based): chr21:34,449,605, C>G on the plus strand (G>C on the coding strand, the complement: KCNE1 is on the minus strand). VCF-style: chr21-34449605-C-G. GRCh37 (hg19) VCF-style: chr21-35821903-C-G.
Other names: c.30G>C, p.Thr10= (NM_001127668.4, NM_001127669.4, NM_001127670.4 and 4 more transcripts).
Identifiers: ClinVar variation 3374586 (VCV003374586.2).